The following is an entry in ClinVar:

NM_025233.7(COASY):c.1222G>A (p.Glu408Lys)

Gene: COASY (Coenzyme A synthase; plus strand). Cytogenetic location: 17q21.2.
Variant type: single nucleotide variant.
Coding change: c.1222G>A on transcript NM_025233.7 (MANE Select); coding-DNA position 1222, G replaced by A.
Protein change: p.Glu408Lys; replaces glutamic acid 408 with lysine.
Molecular consequence: missense variant.
Genome position (GRCh38, 1-based): chr17:42,564,883, G>A. VCF-style: chr17-42564883-G-A. GRCh37 (hg19) VCF-style: chr17-40716901-G-A.
Other names: c.1222G>A, p.Glu408Lys (NM_001042529.3); c.1309G>A, p.Glu437Lys (NM_001042532.4); short protein forms E408K, E437K.
Identifiers: ClinVar variation 1310262 (VCV001310262.2), dbSNP rs71377286, ClinGen allele CA290772131.

ClinVar aggregate classification (germline): Uncertain significance (1 of 4 stars; one submission).

Allele frequency attached by ClinVar (database versions not stated): gnomAD exomes below 0.00001.
gnomAD v4.1: 2 of 1,607,720 alleles (0.00012%); highest among the groups gnomAD compares: Non-Finnish European, 0.00017%; no homozygotes.

Submission:

GeneDx
Classification: Uncertain significance. Last evaluated: 2019-11-12. Review status: criteria provided, single submitter. Criteria: GeneDx Variant Classification Process June 2021. Collection method: clinical testing. Allele origin: germline. Affected: yes.
Comment: Not observed at a significant frequency in large population cohorts (Lek et al., 2016); In silico analysis, which includes protein predictors and evolutionary conservation, supports that this variant does not alter protein structure/function; Has not been previously published as pathogenic or benign to our knowledge